The following is an entry in ClinVar:

ClinVar aggregate classification (germline): Uncertain significance (1 of 4 stars; one submission).

Conditions:
Amyotrophic lateral sclerosis type 1 (ALS1). Also called: AMYOTROPHIC LATERAL SCLEROSIS 1, FAMILIAL. Identifiers: Orphanet 803, MedGen C1862939, MONDO:0007103, OMIM 105400.
Perry syndrome. Also called: PARKINSONISM WITH ALVEOLAR HYPOVENTILATION AND MENTAL DEPRESSION. Identifiers: Orphanet 178509, MedGen C1868594, MONDO:0008201, OMIM 168605.
Neuronopathy, distal hereditary motor, type 7B. Also called: Distal Hereditary Motor Neuronopathy Type 7B (dHMN7B); NEURONOPATHY, DISTAL HEREDITARY MOTOR, AUTOSOMAL DOMINANT 14; NEURONOPATHY, DISTAL HEREDITARY MOTOR, HARDING TYPE VIIB; NEUROPATHY, DISTAL HEREDITARY MOTOR, HARDING TYPE VIIB; NEUROPATHY, DISTAL HEREDITARY MOTOR, WITH VOCAL CORD PARALYSIS, HARDING TYPE VIIB; HMN VIIB. Identifiers: Orphanet 139589, MedGen C1843315, MONDO:0011879, OMIM 607641.

Submission:

Labcorp Genetics (formerly Invitae), Labcorp
Classification: Uncertain significance for Amyotrophic lateral sclerosis type 1; Neuronopathy, distal hereditary motor, type 7B; Perry syndrome. Last evaluated: 2024-03-01. Review status: criteria provided, single submitter. Criteria: Invitae Variant Classification Sherloc (09022015). Collection method: clinical testing. Allele origin: germline.
Comment: This variant, c.3638_3640del, results in the deletion of 1 amino acid(s) of the DCTN1 protein (p.Gln1213del), but otherwise preserves the integrity of the reading frame. This variant is present in population databases (no rsID available, gnomAD 0.007%). This variant has not been reported in the literature in individuals affected with DCTN1-related conditions. ClinVar contains an entry for this variant (Variation ID: 1504072). Experimental studies and prediction algorithms are not available or were not evaluated, and the functional significance of this variant is currently unknown. In summary, the available evidence is currently insufficient to determine the role of this variant in disease. Therefore, it has been classified as a Variant of Uncertain Significance.

NM_004082.5(DCTN1):c.3638_3640del (p.Gln1213del)

Gene: DCTN1 (dynactin subunit 1; minus strand). Cytogenetic location: 2p13.1.
Variant type: Deletion.
Coding change: c.3638_3640del on transcript NM_004082.5 (MANE Select); coding-DNA positions 3638 to 3640, 3 bases deleted (AGC; older notation c.3638_3640delAGC).
Protein change: p.Gln1213del; deletes glutamine 1213.
Molecular consequence: inframe deletion. On other transcripts: non-coding transcript variant (1).
Genome position (GRCh38, 1-based): chr2:74,362,111-74,362,113, GCT deleted on the plus strand (AGC on the coding strand, the reverse complement: DCTN1 is on the minus strand); deleting any 3 consecutive bases within chr2:74,362,111-74,362,114 gives the same sequence; the c. name uses the placement nearest the transcript's 3' end. VCF-style (leftmost placement, unchanged base first): chr2-74362110-CGCT-C. GRCh37 (hg19) VCF-style: chr2-74589237-CGCT-C.
Other names: c.3563_3565del, p.Gln1188del (NM_001135040.3); c.3221_3223del, p.Gln1074del (NM_001135041.3); c.3512_3514del, p.Gln1171del (NM_001190836.2); c.3617_3619del, p.Gln1206del (NM_001190837.2); c.3587_3589del, p.Gln1196del (NM_001378991.1); c.3569_3571del, p.Gln1190del (NM_001378992.1); c.3236_3238del, p.Gln1079del (NM_023019.4); short protein forms Q1079del, Q1190del, Q1074del, Q1196del, Q1206del, Q1171del, Q1188del, Q1213del.
Identifiers: ClinVar variation 1504072 (VCV001504072.8), dbSNP rs1364182022, ClinGen allele CA533719531.
Genomic context (GRCh38, chr2:74,362,110, plus strand): 5'-ACCCTGAGGAAGGCTGATGAAGGGAAGGTGGCAAAGTCAGTGGGTACTGTGGCTCCAGGG[CGCT>C]GAGATACTGTCTCCTTGAGGACCTCATCCTAGGGAAGGGGAGAGGAAGACAAGGGTTCAT-3'